The following is an entry in ClinVar:

NM_001288705.3(CSF1R):c.593-8G>A

Gene: CSF1R (colony stimulating factor 1 receptor; minus strand). Cytogenetic location: 5q32.
Variant type: single nucleotide variant.
Coding change: c.593-8G>A on transcript NM_001288705.3 (MANE Select); 8 bases into the intron before coding-DNA position 593, G replaced by A.
Molecular consequence: intron variant.
Genome position (GRCh38, 1-based): chr5:150,078,256, C>T on the plus strand (G>A on the coding strand, the complement: CSF1R is on the minus strand). VCF-style: chr5-150078256-C-T. GRCh37 (hg19) VCF-style: chr5-149457819-C-T.
Other names: c.149-8G>A (NM_001375321.1); c.593-8G>A (NM_005211.4, NM_001375320.1, NM_001349736.2).
Identifiers: ClinVar variation 5037615 (VCV005037615.1).

ClinVar aggregate classification (germline): Uncertain significance (1 of 4 stars; one submission).

Submission:

GeneDx
Classification: Uncertain significance. Last evaluated: 2026-04-24. Review status: criteria provided, single submitter. Criteria: GeneDx Variant Classification Process June 2021. Collection method: clinical testing. Allele origin: germline.
Comment: Observed in a patient with cognitive impairment, parkinsonism, ataxia, dysphagia, and white matter lesions in published literature (PMID: 38465843); Not observed at significant frequency in large population cohorts (gnomAD); In silico analysis is inconclusive as to whether the variant alters gene splicing. In the absence of RNA/functional studies, the actual effect of this sequence change is unknown.; This variant is associated with the following publications: (PMID: 38465843)